The following is an entry in ClinVar:

ClinVar aggregate classification (germline): Uncertain significance (1 of 4 stars; one submission).

Conditions:
2-aminoadipic 2-oxoadipic aciduria (AAKAD). Also called: ALPHA-AMINOADIPIC AND ALPHA-KETOADIPIC ACIDURIA; Aminoadipic aciduria. Identifiers: Orphanet 79154, MedGen C1859817, MONDO:0008774, OMIM 204750.

Allele frequency attached by ClinVar (database versions not stated): gnomAD exomes 0.00002; ExAC 0.00003; TOPMed 0.00004; gnomAD 0.00006; ESP Exome Variant Server 0.00008; 1000 Genomes Project 30x 0.00047; 1000 Genomes Project 0.00060.
gnomAD v4.1: 34 of 1,613,548 alleles (0.0021%); highest among the groups gnomAD compares: East Asian, 0.0089%; no homozygotes.

Submission:

Labcorp Genetics (formerly Invitae), Labcorp
Classification: Uncertain significance for 2-aminoadipic 2-oxoadipic aciduria. Last evaluated: 2025-11-05. Review status: criteria provided, single submitter. Criteria: Invitae Variant Classification Sherloc (09022015). Collection method: clinical testing. Allele origin: germline.
Comment: This sequence change falls in intron 16 of the DHTKD1 gene. It does not directly change the encoded amino acid sequence of the DHTKD1 protein. It affects a nucleotide within the consensus splice site. This variant is present in population databases (rs367606155, gnomAD 0.02%). This variant has not been reported in the literature in individuals affected with DHTKD1-related conditions. ClinVar contains an entry for this variant (Variation ID: 1057133). Variants that disrupt the consensus splice site are a relatively common cause of aberrant splicing (PMID: 17576681, 9536098). Algorithms developed to predict the effect of sequence changes on RNA splicing suggest that this variant is not likely to affect RNA splicing. In summary, the available evidence is currently insufficient to determine the role of this variant in disease. Therefore, it has been classified as a Variant of Uncertain Significance.

Literature cited by the submitters: PubMed 17576681; PubMed 9536098.

NM_018706.7(DHTKD1):c.2659-3T>C

Gene: DHTKD1 (dehydrogenase E1 and transketolase domain containing 1; plus strand). Cytogenetic location: 10p14.
Variant type: single nucleotide variant.
Coding change: c.2659-3T>C on transcript NM_018706.7 (MANE Select); 3 bases into the intron before coding-DNA position 2659, T replaced by C.
Molecular consequence: intron variant.
Genome position (GRCh38, 1-based): chr10:12,120,784, T>C. VCF-style: chr10-12120784-T-C. GRCh37 (hg19) VCF-style: chr10-12162783-T-C.
Identifiers: ClinVar variation 1057133 (VCV001057133.7), dbSNP rs367606155, ClinGen allele CA5408360.